The following is an entry in ClinVar:

NM_033305.3(VPS13A):c.5795C>A (p.Thr1932Asn)

Gene: VPS13A (vacuolar protein sorting 13 homolog A; plus strand). Cytogenetic location: 9q21.2.
Variant type: single nucleotide variant.
Coding change: c.5795C>A on transcript NM_033305.3 (MANE Select); coding-DNA position 5795, C replaced by A.
Protein change: p.Thr1932Asn; replaces threonine 1932 with asparagine.
Molecular consequence: missense variant.
Genome position (GRCh38, 1-based): chr9:77,321,711, C>A. VCF-style: chr9-77321711-C-A. GRCh37 (hg19) VCF-style: chr9-79936627-C-A.
Other names: p.Thr1932Asn; c.5678C>A, p.Thr1893Asn (NM_001018037.2); c.5795C>A, p.Thr1932Asn (NM_001018038.3, NM_015186.4); short protein forms T1932N, T1893N.
Identifiers: ClinVar variation 367393 (VCV000367393.6), dbSNP rs1034458059, ClinGen allele CA10630464.
Genomic context (GRCh38, chr9:77,321,711, plus strand): 5'-GAGAAAGTTTAAGTATGGATTATATCCGAACCAAGGACAATGATCATTTCAATGCAATGA[C>A]CAGCCTAAGCAGCAAACTCTTCTTCATTCTTCTTAGTAAGTAGTTGAAAAATTACCTTCC-3'
Protein context (NP_150648.2, residues 1922-1942): TKDNDHFNAM[Thr1932Asn]SLSSKLFFIL

ClinVar aggregate classification (germline): Uncertain significance. Review status: criteria provided, multiple submitters, no conflicts (2 of 4 stars). 2 submissions from 2 submitters: Uncertain significance (2). Last evaluated 2024-06-19.

Conditions:
VPS13A-related neurodegenerative disease. Also called: Choreoacanthocytosis; Chorea-acanthocytosis; LEVINE-CRITCHLEY SYNDROME; Choreaacanthocytosis; ACANTHOCYTOSIS WITH NEUROLOGIC DISORDER; VPS13A Disease. Identifiers: Orphanet 2388, MedGen C0393576, MONDO:0008695, OMIM 200150.

Allele frequency attached by ClinVar (database versions not stated): gnomAD 0.00001; gnomAD exomes 0.00001; TOPMed 0.00001.
gnomAD v4.1: 36 of 1,613,048 alleles (0.0022%); highest among the groups gnomAD compares: Non-Finnish European, 0.003%; no homozygotes.

Submissions (2):

Mayo Clinic Laboratories, Mayo Clinic
Classification: Uncertain significance. Last evaluated: 2024-06-19. Review status: criteria provided, single submitter. Criteria: ACMG Guidelines, 2015. Collection method: clinical testing. Allele origin: germline. Observed: 1 variant allele.
Comment: BP4

Illumina Laboratory Services, Illumina
Classification: Uncertain significance for VPS13A-related neurodegenerative disease. Last evaluated: 2018-01-13. Review status: criteria provided, single submitter. Criteria: ICSL Variant Classification Criteria 13 December 2019. Collection method: clinical testing. Allele origin: germline.